The following is an entry in ClinVar:

NM_004525.3(LRP2):c.2460_2461delinsGA (p.Val821Ile)

Gene: LRP2 (LDL receptor related protein 2; minus strand). Cytogenetic location: 2q31.1.
Variant type: Indel.
Coding change: c.2460_2461delinsGA on transcript NM_004525.3 (MANE Select); coding-DNA positions 2460 to 2461, AG replaced by GA.
Protein change: p.Val821Ile; replaces valine 821 with isoleucine.
Molecular consequence: missense variant.
Genome position (GRCh38, 1-based): chr2:169,259,077-169,259,078, CT replaced by TC on the plus strand (AG replaced by GA on the coding strand, the reverse complement: LRP2 is on the minus strand). VCF-style: chr2-169259077-CT-TC. GRCh37 (hg19) VCF-style: chr2-170115587-CT-TC.
Other names: short protein forms V821I.
Identifiers: ClinVar variation 5004024 (VCV005004024.1).

ClinVar aggregate classification (germline): Uncertain significance (1 of 4 stars; one submission).

Conditions:
Donnai-Barrow syndrome. Also called: DBS/FOAR SYNDROME; FACIOOCULOACOUSTICORENAL SYNDROME. Identifiers: Orphanet 2143, MedGen C1857277, MONDO:0009104, OMIM 222448.

Submission:

Myriad Genetics, Inc.
Classification: Uncertain significance for Donnai-Barrow syndrome. Last evaluated: 2026-09-03. Review status: criteria provided, single submitter. Criteria: Myriad Autosomal Dominant, Autosomal Recessive and X-Linked Classification Criteria (2023). Collection method: clinical testing. Allele origin: unknown.
Comment: NM_004525.2(LRP2):c.2460_2461delAGinsGA(V821I) is a missense variant classified as a variant of uncertain significance in the context of Donnai-Barrow syndrome. V821I has not been observed in cases with relevant disease. Relevant functional assessments of this variant are not available in the literature. V821I has not been observed in referenced population frequency databases. In summary, there is insufficient evidence to classify NM_004525.2(LRP2):c.2460_2461delAGinsGA(V821I) as pathogenic or benign. Please note: this variant was assessed in the context of healthy population screening.